The following is an entry in ClinVar:

ClinVar aggregate classification (germline): Uncertain significance (1 of 4 stars; one submission).

Allele frequency attached by ClinVar (database versions not stated): gnomAD exomes below 0.00001; gnomAD 0.00001.
gnomAD v4.1: 6 of 1,613,942 alleles (0.00037%); highest among the groups gnomAD compares: South Asian, 0.0022%; no homozygotes.

Submission:

Labcorp Genetics (formerly Invitae), Labcorp
Classification: Uncertain significance. Last evaluated: 2021-09-22. Review status: criteria provided, single submitter. Criteria: Invitae Variant Classification Sherloc (09022015). Collection method: clinical testing. Allele origin: germline.
Comment: In summary, the available evidence is currently insufficient to determine the role of this variant in disease. Therefore, it has been classified as a Variant of Uncertain Significance. Algorithms developed to predict the effect of missense changes on protein structure and function (SIFT, PolyPhen-2, Align-GVGD) all suggest that this variant is likely to be disruptive. This variant has not been reported in the literature in individuals affected with VCAN-related conditions. This variant is not present in population databases (ExAC no frequency). This sequence change replaces arginine with cysteine at codon 233 of the VCAN protein (p.Arg233Cys). The arginine residue is highly conserved and there is a large physicochemical difference between arginine and cysteine.

NM_004385.5(VCAN):c.697C>T (p.Arg233Cys)

Gene: VCAN (versican; plus strand). Cytogenetic location: 5q14.2.
Variant type: single nucleotide variant.
Coding change: c.697C>T on transcript NM_004385.5 (MANE Select); coding-DNA position 697, C replaced by T.
Protein change: p.Arg233Cys; replaces arginine 233 with cysteine.
Molecular consequence: missense variant.
Genome position (GRCh38, 1-based): chr5:83,493,880, C>T. VCF-style: chr5-83493880-C-T. GRCh37 (hg19) VCF-style: chr5-82789699-C-T.
Other names: c.697C>T, p.Arg233Cys (NM_001164097.2, NM_001164098.2, NM_001126336.3); short protein forms R233C.
Identifiers: ClinVar variation 1368907 (VCV001368907.6), dbSNP rs920889651, ClinGen allele CA121776055.